The following is an entry in ClinVar:

ClinVar aggregate classification (germline): Conflicting classifications of pathogenicity. Review status: criteria provided, conflicting classifications (1 of 4 stars). 3 submissions from 3 submitters: Uncertain significance (2); Likely benign (1). Last evaluated 2025-08-25.

Conditions:
Inborn genetic diseases. Identifiers: MedGen C0950123, MeSH D030342.
Focal segmental glomerulosclerosis 5 (FSGS5). Identifiers: Orphanet 656, MedGen C2750475, MONDO:0013191, OMIM 613237.
Charcot-Marie-Tooth disease dominant intermediate E. Also called: CHARCOT-MARIE-TOOTH NEUROPATHY WITH FOCAL SEGMENTAL GLOMERULONEPHRITIS. Identifiers: Orphanet 93114, MedGen C4302667, MONDO:0013758, OMIM 614455.

Allele frequency attached by ClinVar (database versions not stated): TOPMed 0.00001; ExAC 0.00002; gnomAD 0.00002; gnomAD exomes 0.00002 and 0.00003.
gnomAD v4.1: 31 of 1,572,732 alleles (0.002%); highest among the groups gnomAD compares: East Asian, 0.007%; no homozygotes.

Submissions (3):

Labcorp Genetics (formerly Invitae), Labcorp
Classification: Likely benign for Charcot-Marie-Tooth disease dominant intermediate E; Focal segmental glomerulosclerosis 5. Last evaluated: 2025-08-25. Review status: criteria provided, single submitter. Criteria: Invitae Variant Classification Sherloc (09022015). Collection method: clinical testing. Allele origin: germline.

Ambry Genetics
Classification: Uncertain significance for Inborn genetic diseases. Last evaluated: 2023-09-07. Review status: criteria provided, single submitter. Criteria: Ambry Variant Classification Scheme 2023. Collection method: clinical testing. Allele origin: germline.
Comment: The c.3080C>T (p.T1027M) alteration is located in exon 21 (coding exon 20) of the INF2 gene. This alteration results from a C to T substitution at nucleotide position 3080, causing the threonine (T) at amino acid position 1027 to be replaced by a methionine (M). This amino acid position is not well conserved in available vertebrate species. The alteration is predicted benign by in silico models:_x000D_ _x000D_ The p.T1027M alteration is predicted to be benign by Polyphen and tolerated by SIFT in silico analyses. Based on insufficient or conflicting evidence, the clinical significance of this alteration remains unclear.

Athena Diagnostics
Classification: Uncertain significance. Last evaluated: 2016-09-06. Review status: criteria provided, single submitter. Criteria: Athena Diagnostics Criteria. Collection method: clinical testing. Allele origin: germline.

NM_022489.4(INF2):c.3080C>T (p.Thr1027Met)

Gene: INF2 (inverted formin 2; plus strand). Cytogenetic location: 14q32.33.
Variant type: single nucleotide variant.
Coding change: c.3080C>T on transcript NM_022489.4 (MANE Select); coding-DNA position 3080, C replaced by T.
Protein change: p.Thr1027Met; replaces threonine 1027 with methionine.
Molecular consequence: missense variant.
Genome position (GRCh38, 1-based): chr14:104,714,242, C>T. VCF-style: chr14-104714242-C-T. GRCh37 (hg19) VCF-style: chr14-105180579-C-T.
Other names: c.3080C>T, p.Thr1027Met (NM_001031714.4); short protein forms T1027M.
Identifiers: ClinVar variation 447577 (VCV000447577.6), dbSNP rs760488958, ClinGen allele CA7373176.
Genomic context (GRCh38, chr14:104,714,242, plus strand): 5'-CTGGTGTGTCCCTCCATCCAGTGGCCACCAGTAACCCTGCAGGAGATCCCGTGGGCAGCA[C>T]GCGCTGTCCCGCCTCTGAGCCCGGCCTTGATGCTACAACAGCCAGCGAGTCCCGGGGCTG-3'
Protein context (NP_071934.3, residues 1017-1037): SNPAGDPVGS[Thr1027Met]RCPASEPGLD